The following is an entry in ClinVar:

ClinVar aggregate classification (germline): Uncertain significance. Review status: criteria provided, multiple submitters, no conflicts (2 of 4 stars). 2 submissions from 2 submitters: Uncertain significance (2). Last evaluated 2024-10-30.

Conditions:
Hypertrophic cardiomyopathy 14. Identifiers: MedGen C2750467, MONDO:0013197, OMIM 613251.

gnomAD v4.1: 1 of 1,613,342 alleles (0.000062%); highest among the groups gnomAD compares: East Asian, 0.0022%; no homozygotes.

Submissions (2):

Labcorp Genetics (formerly Invitae), Labcorp
Classification: Uncertain significance for Hypertrophic cardiomyopathy 14. Last evaluated: 2024-10-30. Review status: criteria provided, single submitter. Criteria: Invitae Variant Classification Sherloc (09022015). Collection method: clinical testing. Allele origin: germline.
Comment: This sequence change falls in intron 30 of the MYH6 gene. It does not directly change the encoded amino acid sequence of the MYH6 protein. It affects a nucleotide within the consensus splice site. This variant is not present in population databases (gnomAD no frequency). This variant has not been reported in the literature in individuals affected with MYH6-related conditions. Variants that disrupt the consensus splice site are a relatively common cause of aberrant splicing (PMID: 17576681, 9536098). Algorithms developed to predict the effect of sequence changes on RNA splicing suggest that this variant is not likely to affect RNA splicing. In summary, the available evidence is currently insufficient to determine the role of this variant in disease. Therefore, it has been classified as a Variant of Uncertain Significance.

Blueprint Genetics
Classification: Uncertain significance. Last evaluated: 2024-04-15. Review status: criteria provided, single submitter. Criteria: ACMG Guidelines, 2015. Collection method: clinical testing. Allele origin: germline.

Literature cited by the submitters: PubMed 17576681 (cited by Labcorp Genetics (formerly Invitae), Labcorp); PubMed 9536098 (cited by Labcorp Genetics (formerly Invitae), Labcorp).

NM_002471.4(MYH6):c.4360-3C>A

Gene: MYH6 (myosin heavy chain 6; minus strand). Cytogenetic location: 14q11.2.
Variant type: single nucleotide variant.
Coding change: c.4360-3C>A on transcript NM_002471.4 (MANE Select); 3 bases into the intron before coding-DNA position 4360, C replaced by A.
Molecular consequence: intron variant.
Genome position (GRCh38, 1-based): chr14:23,387,926, G>T on the plus strand (C>A on the coding strand, the complement: MYH6 is on the minus strand). VCF-style: chr14-23387926-G-T. GRCh37 (hg19) VCF-style: chr14-23857135-G-T.
Identifiers: ClinVar variation 3722532 (VCV003722532.3).
Genomic context (GRCh38, chr14:23,387,926, plus strand): 5'-GTGAGGACTCCAGCTCAGACTGCGACTCCTCATACTTCTGCTTCCACTCGGCCAGGATCT[G>T]CCCGGGGACAAGGCTCACTCTTCAGCCCCCCAGCCTTAGCTCCCCAGCCCTCCTGCTTCC-3'